The following is an entry in ClinVar:

NM_005751.5(AKAP9):c.3247T>C (p.Ser1083Pro)

Gene: AKAP9 (A-kinase anchoring protein 9; plus strand). Cytogenetic location: 7q21.2.
Variant type: single nucleotide variant.
Coding change: c.3247T>C on transcript NM_005751.5 (MANE Select); coding-DNA position 3247, T replaced by C.
Protein change: p.Ser1083Pro; replaces serine 1083 with proline.
Molecular consequence: missense variant.
Genome position (GRCh38, 1-based): chr7:92,003,164, T>C. VCF-style: chr7-92003164-T-C. GRCh37 (hg19) VCF-style: chr7-91632478-T-C.
Other names: c.3247T>C, p.Ser1083Pro (NM_147185.3); short protein forms S1083P.
Identifiers: ClinVar variation 3225040 (VCV003225040.1), dbSNP rs2484697047, ClinGen allele CA368126622.

ClinVar aggregate classification (germline): Uncertain significance (1 of 4 stars; one submission).

Conditions:
Cardiovascular phenotype. Identifiers: MedGen CN230736.

Submission:

Ambry Genetics
Classification: Uncertain significance for Cardiovascular phenotype. Last evaluated: 2023-02-19. Review status: criteria provided, single submitter. Criteria: Ambry Variant Classification Scheme 2023. Collection method: clinical testing. Allele origin: germline.
Comment: The p.S1083P variant (also known as c.3247T>C), located in coding exon 8 of the AKAP9 gene, results from a T to C substitution at nucleotide position 3247. The serine at codon 1083 is replaced by proline, an amino acid with similar properties. This amino acid position is conserved. In addition, this alteration is predicted to be tolerated by in silico analysis. Since supporting evidence is limited at this time, the clinical significance of this alteration remains unclear.